The following is an entry in ClinVar:

ClinVar aggregate classification (germline): Pathogenic. Review status: criteria provided, multiple submitters, no conflicts (2 of 4 stars). 3 submissions from 3 submitters: Pathogenic (2). 1 of the submissions does not count toward it. Last evaluated 2024-09-12.

Conditions:
Ornithine carbamoyltransferase deficiency (OTCD). Also called: ORNITHINE TRANSCARBAMYLASE DEFICIENCY, HYPERAMMONEMIA DUE TO; ORNITHINE TRANSCARBAMYLASE DEFICIENCY; OTC DEFICIENCY; Ornithine Carbamoyltransferase Deficiency Disease. Identifiers: Orphanet 664, MedGen C0268542, MONDO:0010703, OMIM 311250.

Submissions (3):

GeneDx
Classification: Pathogenic. Last evaluated: 2024-09-12. Review status: criteria provided, single submitter. Criteria: GeneDx Variant Classification Process June 2021. Collection method: clinical testing. Allele origin: germline. Affected: yes.
Comment: Not observed at significant frequency in large population cohorts (gnomAD); In silico analysis supports that this missense variant has a deleterious effect on protein structure/function; This variant is associated with the following publications: (PMID: 25297582, 28266016, 33190319, 16786505, 28324312, 32569589, 37146589)

Baylor Genetics
Classification: Pathogenic for Ornithine carbamoyltransferase deficiency. Last evaluated: 2024-02-15. Review status: criteria provided, single submitter. Criteria: ACMG Guidelines, 2015. Collection method: clinical testing. Allele origin: unknown.

GenMed Metabolism Lab
Classification: Pathogenic. Review status: no assertion criteria provided. Collection method: not provided. Allele origin: unknown. Not counted in ClinVar's aggregate classification.
Comment: p.Asp196Asn, Late
ClinVar note: Converted during submission from pathogenic to Pathogenic.

NM_000531.6(OTC):c.586G>A (p.Asp196Asn)

Gene: OTC (ornithine transcarbamylase; plus strand). Cytogenetic location: Xp11.4.
Variant type: single nucleotide variant.
Coding change: c.586G>A on transcript NM_000531.6 (MANE Select); coding-DNA position 586, G replaced by A.
Protein change: p.Asp196Asn; replaces aspartic acid 196 with asparagine.
Molecular consequence: missense variant.
Genome position (GRCh38, 1-based): chrX:38,403,663, G>A. VCF-style: chrX-38403663-G-A. GRCh37 (hg19) VCF-style: chrX-38262916-G-A.
Other names: short protein forms D196N.
Identifiers: ClinVar variation 97257 (VCV000097257.4), dbSNP rs66642398, ClinGen allele CA224691.